The following is an entry in ClinVar:

ClinVar aggregate classification (germline): Likely benign (1 of 4 stars; one submission).

Allele frequency attached by ClinVar (database versions not stated): gnomAD exomes 0.00073; ExAC 0.00132; ESP Exome Variant Server 0.00236; gnomAD 0.00238; TOPMed 0.00279; 1000 Genomes Project 0.00339; 1000 Genomes Project 30x 0.00344.
gnomAD v4.1: 1,494 of 1,613,174 alleles (0.093%); highest among the groups gnomAD compares: African/African-American, 0.67%; 7 homozygotes.

Submission:

CeGaT Center for Human Genetics Tuebingen
Classification: Likely benign. Last evaluated: 2026-09-01. Review status: criteria provided, single submitter. Criteria: CeGaT Center For Human Genetics Tuebingen Variant Classification Criteria Version 2. Collection method: clinical testing. Allele origin: germline. Affected: yes. Observed: 6 variant alleles.
Comment: DOT1L: BP4, BP7

NM_032482.3(DOT1L):c.1233C>T (p.Arg411=)

Gene: DOT1L (DOT1 like histone lysine methyltransferase; plus strand). Cytogenetic location: 19p13.3.
Variant type: single nucleotide variant.
Coding change: c.1233C>T on transcript NM_032482.3 (MANE Select); coding-DNA position 1233, C replaced by T.
Protein change: p.Arg411=; no amino-acid change (arginine 411 retained).
Molecular consequence: synonymous variant.
Genome position (GRCh38, 1-based): chr19:2,210,737, C>T. VCF-style: chr19-2210737-C-T. GRCh37 (hg19) VCF-style: chr19-2210736-C-T.
Other names: c.1233C>T, p.Arg411= (NM_001411141.1).
Identifiers: ClinVar variation 2648961 (VCV002648961.24), dbSNP rs76375790, ClinGen allele CA9060430.